The following is an entry in ClinVar:

ClinVar aggregate classification (germline): Uncertain significance (1 of 4 stars; one submission).

Allele frequency attached by ClinVar (database versions not stated): ExAC 0.00011; TOPMed 0.00021; gnomAD 0.00025; ESP Exome Variant Server 0.00046; 1000 Genomes Project 30x 0.00047; 1000 Genomes Project 0.00060.
gnomAD v4.1: 50 of 1,607,332 alleles (0.0031%); highest among the groups gnomAD compares: African/African-American, 0.059%; 1 homozygote.

Submission:

Labcorp Genetics (formerly Invitae), Labcorp
Classification: Uncertain significance. Last evaluated: 2023-03-11. Review status: criteria provided, single submitter. Criteria: Invitae Variant Classification Sherloc (09022015). Collection method: clinical testing. Allele origin: germline.
Comment: In summary, the available evidence is currently insufficient to determine the role of this variant in disease. Therefore, it has been classified as a Variant of Uncertain Significance. This sequence change falls in intron 13 of the APC2 gene. It does not directly change the encoded amino acid sequence of the APC2 protein. It affects a nucleotide within the consensus splice site. This variant is present in population databases (rs377170799, gnomAD 0.08%). This variant has not been reported in the literature in individuals affected with APC2-related conditions. ClinVar contains an entry for this variant (Variation ID: 2064469). Variants that disrupt the consensus splice site are a relatively common cause of aberrant splicing (PMID: 17576681, 9536098). Algorithms developed to predict the effect of sequence changes on RNA splicing suggest that this variant may disrupt the consensus splice site.

Literature cited by the submitters: PubMed 17576681; PubMed 9536098.

NM_005883.3(APC2):c.1638+4G>A

Gene: APC2 (APC regulator of WNT signaling pathway 2; plus strand). Cytogenetic location: 19p13.3.
Variant type: single nucleotide variant.
Coding change: c.1638+4G>A on transcript NM_005883.3 (MANE Select); 4 bases into the intron after coding-DNA position 1638, G replaced by A.
Molecular consequence: intron variant.
Genome position (GRCh38, 1-based): chr19:1,461,157, G>A. VCF-style: chr19-1461157-G-A. GRCh37 (hg19) VCF-style: chr19-1461156-G-A.
Other names: c.1635+4G>A (NM_001351273.1).
Identifiers: ClinVar variation 2064469 (VCV002064469.3), dbSNP rs377170799, ClinGen allele CA9045184.
Genomic context (GRCh38, chr19:1,461,157, plus strand): 5'-CTGAGGGAGGCGGGCAGCGTGACTGCCCTGGTGCAGTGTGTCCTGCGGGCCACCAAGGTG[G>A]GCACCCGGTGGGCGGCAGGGATGCTTCTTCAGTCACTGGAAGGAGACTGCTGGCGGCAGC-3'